The following is an entry in ClinVar:

NM_000368.5(TSC1):c.509-2A>G

Gene: TSC1 (TSC complex subunit 1; minus strand). Cytogenetic location: 9q34.13.
Variant type: single nucleotide variant.
Coding change: c.509-2A>G on transcript NM_000368.5 (MANE Select); the canonical splice acceptor site of the intron before coding-DNA position 509, A replaced by G.
Molecular consequence: splice acceptor variant.
Genome position (GRCh38, 1-based): chr9:132,921,975, T>C on the plus strand (A>G on the coding strand, the complement: TSC1 is on the minus strand). VCF-style: chr9-132921975-T-C. GRCh37 (hg19) VCF-style: chr9-135797362-T-C.
Other names: c.146-2A>G (NM_001406620.1, NM_001406618.1, NM_001406625.1 and 10 more transcripts); c.356-2A>G (NM_001406613.1, NM_001406612.1, NM_001406610.1 and 2 more transcripts); c.-369-2A>G (NM_001406627.1, NM_001406628.1, NM_001406626.1); c.-511-2A>G (NM_001406629.1); c.509-2A>G (NM_001406603.1, NM_001406609.1, NM_001406597.1 and 16 more transcripts); c.-585-2A>G (NM_001406630.1).
Identifiers: ClinVar variation 3571704 (VCV003571704.1).

ClinVar aggregate classification (germline): Likely pathogenic (1 of 4 stars; one submission).

Submission:

Athena Diagnostics
Classification: Likely pathogenic. Last evaluated: 2024-10-07. Review status: criteria provided, single submitter. Criteria: Athena Diagnostics Criteria. Collection method: clinical testing. Allele origin: unknown.
Comment: This variant is expected to severely impact normal RNA splicing, and consequently, protein structure and/or function. This variant has not been reported in large, multi-ethnic general populations. Computational tools yielded predictions that this variant may interfere with normal RNA splicing.